The following is an entry in ClinVar:

ClinVar aggregate classification (germline): Uncertain significance (1 of 4 stars; one submission).

Conditions:
Arrhythmogenic right ventricular dysplasia 10. Also called: Arrhythmogenic Right Ventricular Dysplasia/Cardiomyopathy10; Arrhythmogenic right ventricular dysplasia/cardiomyopathy, type 10; ARRHYTHMOGENIC RIGHT VENTRICULAR DYSPLASIA, FAMILIAL, 10. Identifiers: MedGen C1857777, MONDO:0012434, OMIM 610193.

gnomAD v4.1: 3 of 1,614,190 alleles (0.00019%); highest among the groups gnomAD compares: South Asian, 0.0011%; no homozygotes.

Submission:

Labcorp Genetics (formerly Invitae), Labcorp
Classification: Uncertain significance for Arrhythmogenic right ventricular dysplasia 10. Last evaluated: 2024-09-18. Review status: criteria provided, single submitter. Criteria: Invitae Variant Classification Sherloc (09022015). Collection method: clinical testing. Allele origin: germline.
Comment: This sequence change replaces glutamic acid, which is acidic and polar, with lysine, which is basic and polar, at codon 560 of the DSG2 protein (p.Glu560Lys). This variant is not present in population databases (gnomAD no frequency). This variant has not been reported in the literature in individuals affected with DSG2-related conditions. Invitae Evidence Modeling of protein sequence and biophysical properties (such as structural, functional, and spatial information, amino acid conservation, physicochemical variation, residue mobility, and thermodynamic stability) indicates that this missense variant is not expected to disrupt DSG2 protein function with a negative predictive value of 95%. In summary, the available evidence is currently insufficient to determine the role of this variant in disease. Therefore, it has been classified as a Variant of Uncertain Significance.

NM_001943.5(DSG2):c.1678G>A (p.Glu560Lys)

Gene: DSG2 (desmoglein 2; plus strand). Cytogenetic location: 18q12.1.
Variant type: single nucleotide variant.
Coding change: c.1678G>A on transcript NM_001943.5 (MANE Select); coding-DNA position 1678, G replaced by A.
Protein change: p.Glu560Lys; replaces glutamic acid 560 with lysine.
Molecular consequence: missense variant.
Genome position (GRCh38, 1-based): chr18:31,538,777, G>A. VCF-style: chr18-31538777-G-A. GRCh37 (hg19) VCF-style: chr18-29118740-G-A.
Other names: short protein forms E560K.
Identifiers: ClinVar variation 3704380 (VCV003704380.2).